The following is an entry in ClinVar:

NM_020245.5(TULP4):c.1072T>C (p.Leu358=)

Gene: TULP4 (TUB like protein 4; plus strand). Cytogenetic location: 6q25.3.
Variant type: single nucleotide variant.
Coding change: c.1072T>C on transcript NM_020245.5 (MANE Select); coding-DNA position 1072, T replaced by C.
Protein change: p.Leu358=; no amino-acid change (leucine 358 retained).
Molecular consequence: synonymous variant.
Genome position (GRCh38, 1-based): chr6:158,479,796, T>C. VCF-style: chr6-158479796-T-C. GRCh37 (hg19) VCF-style: chr6-158900828-T-C.
Other names: c.1072T>C, p.Leu358= (NM_001007466.3).
Identifiers: ClinVar variation 2657087 (VCV002657087.24), dbSNP rs142094605, ClinGen allele CA4071913.

ClinVar aggregate classification (germline): Likely benign (1 of 4 stars; one submission).

Allele frequency attached by ClinVar (database versions not stated): TOPMed 0.00055; ESP Exome Variant Server 0.00062; gnomAD 0.00069; gnomAD exomes 0.00087; 1000 Genomes Project 0.00100; 1000 Genomes Project 30x 0.00125; ExAC 0.00162.
gnomAD v4.1: 1,397 of 1,614,142 alleles (0.087%); highest among the groups gnomAD compares: South Asian, 0.87%; 20 homozygotes.

Submission:

CeGaT Center for Human Genetics Tuebingen
Classification: Likely benign. Last evaluated: 2022-03-01. Review status: criteria provided, single submitter. Criteria: CeGaT Center For Human Genetics Tuebingen Variant Classification Criteria Version 2. Collection method: clinical testing. Allele origin: germline. Affected: yes. Observed: 1 variant allele.
Comment: TULP4: BP4, BS1